The following is an entry in ClinVar:

NM_004369.4(COL6A3):c.6869G>T (p.Arg2290Leu)

Gene: COL6A3 (collagen type VI alpha 3 chain; minus strand). Cytogenetic location: 2q37.3.
Variant type: single nucleotide variant.
Coding change: c.6869G>T on transcript NM_004369.4 (MANE Select); coding-DNA position 6869, G replaced by T.
Protein change: p.Arg2290Leu; replaces arginine 2290 with leucine.
Molecular consequence: missense variant.
Genome position (GRCh38, 1-based): chr2:237,350,157, C>A on the plus strand (G>T on the coding strand, the complement: COL6A3 is on the minus strand). VCF-style: chr2-237350157-C-A. GRCh37 (hg19) VCF-style: chr2-238258800-C-A.
Other names: c.5048G>T, p.Arg1683Leu (NM_057166.5); c.6251G>T, p.Arg2084Leu (NM_057167.4); short protein forms R1683L, R2084L.
Identifiers: ClinVar variation 94969 (VCV000094969.13), dbSNP rs398124131, ClinGen allele CA222644.

ClinVar aggregate classification (germline): Uncertain significance. Review status: criteria provided, multiple submitters, no conflicts (2 of 4 stars). 3 submissions from 3 submitters: Uncertain significance (3). Last evaluated 2025-06-27.

Conditions:
Bethlem myopathy 1A. Also called: MYOPATHY, BENIGN CONGENITAL, WITH CONTRACTURES; Bethlem myopathy 1; Bethlem Muscular Dystrophy. Identifiers: Orphanet 610, MedGen CN029274, MONDO:0024530, OMIM 158810.

Allele frequency attached by ClinVar (database versions not stated): TOPMed 0.00002; gnomAD 0.00003.
gnomAD v4.1: 26 of 1,613,990 alleles (0.0016%); highest among the groups gnomAD compares: Non-Finnish European, 0.0021%; no homozygotes.

Submissions (3):

Labcorp Genetics (formerly Invitae), Labcorp
Classification: Uncertain significance for Bethlem myopathy 1A. Last evaluated: 2025-06-27. Review status: criteria provided, single submitter. Criteria: Invitae Variant Classification Sherloc (09022015). Collection method: clinical testing. Allele origin: germline.
Comment: This sequence change replaces arginine, which is basic and polar, with leucine, which is neutral and non-polar, at codon 2290 of the COL6A3 protein (p.Arg2290Leu). This variant is present in population databases (rs398124131, gnomAD 0.002%). This variant has not been reported in the literature in individuals affected with COL6A3-related conditions. ClinVar contains an entry for this variant (Variation ID: 94969). Invitae Evidence Modeling of protein sequence and biophysical properties (such as structural, functional, and spatial information, amino acid conservation, physicochemical variation, residue mobility, and thermodynamic stability) indicates that this missense variant is expected to disrupt COL6A3 protein function with a positive predictive value of 80%. In summary, the available evidence is currently insufficient to determine the role of this variant in disease. Therefore, it has been classified as a Variant of Uncertain Significance.

HudsonAlpha Institute for Biotechnology
Classification: Uncertain significance for Bethlem myopathy 1A. Last evaluated: 2018-10-23. Review status: criteria provided, single submitter. Criteria: ACMG Guidelines, 2015. Collection method: research. Allele origin: unknown. Affected: yes. Observed: 1 variant allele. Study: AGHI-WGS-HudsonAlpha.

Eurofins Ntd Llc (ga)
Classification: Uncertain significance. Last evaluated: 2013-10-07. Review status: criteria provided, single submitter. Criteria: EGL Classification Definitions 2015. Collection method: clinical testing. Allele origin: germline. Observed: 1 variant allele, 1 heterozygote.